The following is an entry in ClinVar:

NM_058216.3(RAD51C):c.701C>G (p.Ser234Ter)

Genes: RAD51C (RAD51 paralog C; plus strand), LOC129390903 (MPRA-validated peak2919 silencer; plus strand). Cytogenetic location: 17q22.
Variant type: single nucleotide variant.
Coding change: c.701C>G on transcript NM_058216.3 (MANE Select); coding-DNA position 701, C replaced by G.
Protein change: p.Ser234Ter; replaces serine 234 with a stop codon.
Molecular consequence: nonsense. On other transcripts: non-coding transcript variant (1).
Genome position (GRCh38, 1-based): chr17:58,703,325, C>G. VCF-style: chr17-58703325-C-G. GRCh37 (hg19) VCF-style: chr17-56780686-C-G.
Other names: short protein forms S234*.
Identifiers: ClinVar variation 142919 (VCV000142919.26), dbSNP rs587782818, ClinGen allele CA169763.

ClinVar aggregate classification (germline): Pathogenic. Review status: criteria provided, multiple submitters, no conflicts (2 of 4 stars). 10 submissions from 10 submitters: Pathogenic (9). 1 of the submissions does not count toward it. Last evaluated 2026-09-30.

Conditions:
Inherited ovarian cancer (without breast cancer).
Breast-ovarian cancer, familial, susceptibility to, 3. Also called: RAD51C-Related Breast/Ovarian Cancer. Identifiers: Orphanet 145, MedGen C3150659, MONDO:0013253, OMIM 613399.
Fanconi anemia complementation group O. Also called: RAD51C-Related Fanconi Anemia. Identifiers: Orphanet 84, MedGen C3150653, MONDO:0013248, OMIM 613390.
Hereditary cancer-predisposing syndrome. Also called: Neoplastic Syndromes, Hereditary; Hereditary Cancer Syndrome; Tumor predisposition; Hereditary neoplastic syndrome. Identifiers: Orphanet 140162, MedGen C0027672, MeSH D009386, MONDO:0015356.
Hereditary breast ovarian cancer syndrome. Also called: BRCA1- and BRCA2-Associated Hereditary Breast and Ovarian Cancer; Hereditary breast and ovarian cancer syndrome (HBOC); Breast and ovarian cancer; Hereditary breast and/or ovarian cancer syndrome; Hereditary breast and ovarian cancer syndrome; Hereditary breast and ovarian cancer. Identifiers: Orphanet 145, MedGen C0677776, MeSH D061325, MONDO:0003582. Disease mechanism: loss of function.
Malignant tumor of breast. Also called: Malignant breast neoplasm; Cancer breast. Identifiers: MedGen C0006142, MONDO:0007254. Disease mechanism: loss of function.

Allele frequency attached by ClinVar (database versions not stated): gnomAD 0.00002 and below 0.00001; ExAC 0.00007; gnomAD exomes 0.00006.

Submissions (10):

Genomics and Molecular Medicine Service, East Genomic Laboratory Hub, NHS Genomic Medicine Service
Classification: Pathogenic for Inherited ovarian cancer (without breast cancer). Last evaluated: 2026-09-30. Review status: criteria provided, single submitter. Criteria: ACGS Best Practice Guidelines for Variant Classification in Rare Disease 2020. Collection method: clinical testing. Allele origin: germline. Affected: yes.
Comment: PVS1,PS4_Supporting,PM5_Supporting

German Consortium for Hereditary Breast and Ovarian Cancer, University Hospital Cologne
Classification: Pathogenic for Hereditary breast ovarian cancer syndrome. Last evaluated: 2026-02-10. Review status: criteria provided, single submitter. Criteria: ACMG Guidelines, 2015. Collection method: curation. Allele origin: germline.
Comment: This classification follows the ACMG SVI adaptation classification scheme; We chose these criteria: PVS1 (very strong pathogenic): As per Tayoun (2018, PMID: 30192042): Nonsense --> Predicted to undergo NMD --> Exon is present in biologically-relevant transcript(s) --> PVS1_VST, PS3 (medium pathogenic): Olvera-León (2024, PMID: 39299233): fast depleted, PM5 (supporting pathogenic): As per CanVIG-UK guidelines

Labcorp Genetics (formerly Invitae), Labcorp
Classification: Pathogenic for Fanconi anemia complementation group O. Last evaluated: 2026-01-05. Review status: criteria provided, single submitter. Criteria: Invitae Variant Classification Sherloc (09022015). Collection method: clinical testing. Allele origin: germline.
Comment: This sequence change creates a premature translational stop signal (p.Ser234*) in the RAD51C gene. It is expected to result in an absent or disrupted protein product. Loss-of-function variants in RAD51C are known to be pathogenic (PMID: 20400964, 21990120, 24800917, 29278735). This variant is present in population databases (rs587782818, gnomAD 0.05%). This premature translational stop signal has been observed in individual(s) with clinical features of RAD51C-related conditions (PMID: 32107557). ClinVar contains an entry for this variant (Variation ID: 142919). For these reasons, this variant has been classified as Pathogenic.

Ambry Genetics
Classification: Pathogenic for Hereditary cancer-predisposing syndrome. Last evaluated: 2025-06-12. Review status: criteria provided, single submitter. Criteria: Ambry Variant Classification Scheme 2023. Collection method: clinical testing. Allele origin: germline.
Comment: The p.S234* pathogenic mutation (also known as c.701C>G), located in coding exon 4 of the RAD51C gene, results from a C to G substitution at nucleotide position 701. This changes the amino acid from a serine to a stop codon within coding exon 4. This alteration is expected to result in loss of function by premature protein truncation or nonsense-mediated mRNA decay. As such, this alteration is interpreted as a disease-causing mutation.

Myriad Genetics, Inc.
Classification: Pathogenic for Breast-ovarian cancer, familial, susceptibility to, 3. Last evaluated: 2024-01-03. Review status: criteria provided, single submitter. Criteria: Myriad Autosomal Dominant, Autosomal Recessive and X-Linked Classification Criteria (2023). Collection method: clinical testing. Allele origin: unknown.
Comment: This variant is considered pathogenic. This variant creates a termination codon and is predicted to result in premature protein truncation.

Baylor Genetics
Classification: Pathogenic for Breast-ovarian cancer, familial, susceptibility to, 3. Last evaluated: 2022-06-21. Review status: criteria provided, single submitter. Criteria: ACMG Guidelines, 2015. Collection method: clinical testing. Allele origin: unknown.

Clinical Genetics Laboratory, Skane University Hospital Lund
Classification: Pathogenic. Last evaluated: 2022-05-27. Review status: criteria provided, single submitter. Criteria: ACMG Guidelines, 2015. Collection method: clinical testing. Allele origin: germline. Affected: yes.

Color Diagnostics, LLC DBA Color Health
Classification: Pathogenic for Hereditary cancer-predisposing syndrome. Last evaluated: 2020-01-15. Review status: criteria provided, single submitter. Criteria: ACMG Guidelines, 2015. Collection method: clinical testing. Allele origin: germline.
Comment: This variant changes 1 nucleotide in exon 4 of the RAD51C gene, creating a premature translation stop signal. This variant is expected to result in an absent or non-functional protein product. This variant has been identified in 16/251104 chromosomes in the general population by the Genome Aggregation Database (gnomAD). Loss of RAD51C function is a known mechanism of disease. Based on the available evidence, this variant is classified as Pathogenic.

Fulgent Genetics
Classification: Pathogenic for Fanconi anemia complementation group O; Breast-ovarian cancer, familial, susceptibility to, 3. Last evaluated: 2018-10-31. Review status: criteria provided, single submitter. Criteria: ACMG Guidelines, 2015. Collection method: clinical testing. Allele origin: unknown.

Department of Pathology and Laboratory Medicine, Sinai Health System
Classification: Pathogenic for Malignant tumor of breast. Review status: no assertion criteria provided. Collection method: clinical testing. Allele origin: unknown. Affected: yes. Study: The Canadian Open Genetics Repository (COGR). Not counted in ClinVar's aggregate classification.
Comment: The RAD51C p.Ser234X variant was not identified in the literature nor was it identified in the Cosmic, MutDB, or LOVD 3.0 databases. The variant was identified in dbSNP (ID: rs587782818) as â€šÃ„ÃºWith Pathogenic alleleâ€šÃ„Ã¹, ClinVar (as pathogenic by Ambry Genetics and Invitae), and Clinvitae (2x as pathogenic) databases. The variant was not identified in the following control databases: the 1000 Genomes Project, the NHLBI GO Exome Sequencing Project, the Exome Aggregation Consortium (August 8th 2016), or the Genome Aggregation Database (Feb 27, 2017). The p.Ser234X variant leads to a premature stop codon at position 234 which is predicted to lead to a truncated or absent protein and loss of function. Loss of function variants of the RAD51C gene are an established mechanism of disease in hereditary breast cancer and is the type of variant expected to cause the disorder. In summary, based on the above information this variant meets our laboratoryâ€šÃ„Ã´s criteria to be classified as pathogenic.

Literature cited by the submitters: PubMed 20400964 (cited by Labcorp Genetics (formerly Invitae), Labcorp); PubMed 21990120 (cited by Labcorp Genetics (formerly Invitae), Labcorp); PubMed 24800917 (cited by Labcorp Genetics (formerly Invitae), Labcorp); PubMed 29278735 (cited by Labcorp Genetics (formerly Invitae), Labcorp); PubMed 32107557 (cited by Labcorp Genetics (formerly Invitae), Labcorp).